The following is an entry in ClinVar:

ClinVar aggregate classification (germline): Conflicting classifications of pathogenicity. Review status: criteria provided, conflicting classifications (1 of 4 stars). 3 submissions from 3 submitters: Uncertain significance (2); Likely benign (1). Last evaluated 2025-08-04.

Conditions:
Hereditary cancer-predisposing syndrome. Also called: Neoplastic Syndromes, Hereditary; Tumor predisposition; Hereditary Cancer Syndrome; Hereditary neoplastic syndrome. Identifiers: Orphanet 140162, MedGen C0027672, MeSH D009386, MONDO:0015356.
Familial cancer of breast. Also called: BREAST CANCER, FAMILIAL; Hereditary breast cancer; hereditary breast carcinoma. Identifiers: Orphanet 227535, MedGen C0346153, MONDO:0016419, OMIM 114480. Disease mechanism: loss of function.

Allele frequency attached by ClinVar (database versions not stated): TOPMed 0.00001.
gnomAD v4.1: 4 of 1,614,112 alleles (0.00025%); highest among the groups gnomAD compares: Non-Finnish European, 0.00034%; no homozygotes.

Submissions (3):

Labcorp Genetics (formerly Invitae), Labcorp
Classification: Uncertain significance for Familial cancer of breast. Last evaluated: 2025-08-04. Review status: criteria provided, single submitter. Criteria: Invitae Variant Classification Sherloc (09022015). Collection method: clinical testing. Allele origin: germline.
Comment: This sequence change replaces histidine, which is basic and polar, with leucine, which is neutral and non-polar, at codon 693 of the PALB2 protein (p.His693Leu). This variant is not present in population databases (gnomAD no frequency). This missense change has been observed in individual(s) with hereditary breast and/or ovarian cancer (PMID: 35610400). ClinVar contains an entry for this variant (Variation ID: 820667). Invitae Evidence Modeling of protein sequence and biophysical properties (such as structural, functional, and spatial information, amino acid conservation, physicochemical variation, residue mobility, and thermodynamic stability) indicates that this missense variant is not expected to disrupt PALB2 protein function with a negative predictive value of 80%. In summary, the available evidence is currently insufficient to determine the role of this variant in disease. Therefore, it has been classified as a Variant of Uncertain Significance.

Ambry Genetics
Classification: Likely benign for Hereditary cancer-predisposing syndrome. Last evaluated: 2025-01-30. Review status: criteria provided, single submitter. Criteria: Ambry Variant Classification Scheme 2023. Collection method: clinical testing. Allele origin: germline.

Quest Diagnostics Nichols Institute San Juan Capistrano
Classification: Uncertain significance. Last evaluated: 2022-12-29. Review status: criteria provided, single submitter. Criteria: Quest Diagnostics criteria. Collection method: clinical testing. Allele origin: unknown.
Comment: The variant has not been reported in the published literature. The frequency of this variant in the general population, 0.0000066 (1/152220 chromosomes), is uninformative in assessment of its pathogenicity. Analysis of this variant using bioinformatics tools for the prediction of the effect of amino acid changes on protein structure and function yielded predictions that this variant is benign. Based on the available information, we are unable to determine the clinical significance of this variant.

Literature cited by the submitters: PubMed 35610400 (cited by Labcorp Genetics (formerly Invitae), Labcorp).

NM_024675.4(PALB2):c.2078A>T (p.His693Leu)

Gene: PALB2 (partner and localizer of BRCA2; minus strand). Cytogenetic location: 16p12.2.
Variant type: single nucleotide variant.
Coding change: c.2078A>T on transcript NM_024675.4 (MANE Select); coding-DNA position 2078, A replaced by T.
Protein change: p.His693Leu; replaces histidine 693 with leucine.
Molecular consequence: missense variant.
Genome position (GRCh38, 1-based): chr16:23,630,076, T>A on the plus strand (A>T on the coding strand, the complement: PALB2 is on the minus strand). VCF-style: chr16-23630076-T-A. GRCh37 (hg19) VCF-style: chr16-23641397-T-A.
Other names: short protein forms H693L.
Identifiers: ClinVar variation 820667 (VCV000820667.15), dbSNP rs587780208, ClinGen allele CA395126578.
Genomic context (GRCh38, chr16:23,630,076, plus strand): 5'-GGCGCAACCGTATTTAAAGGAGTATAAAGTAATATGGATGAAGAAAGGCCCGTCTTTGTA[T>A]GCTGGCTTTGCGAGTTTGGCCTTTTGGGATGTGATTTTCCTGGTAGAACAATAAGGTCCT-3'
Protein context (NP_078951.2, residues 683-703): HPKRPNSQSQ[His693Leu]TKTGLSSSIL